The following is an entry in ClinVar:

ClinVar aggregate classification (germline): Uncertain significance (1 of 4 stars; one submission).

Submission:

GeneDx
Classification: Uncertain significance. Last evaluated: 2024-11-21. Review status: criteria provided, single submitter. Criteria: GeneDx Variant Classification Process June 2021. Collection method: clinical testing. Allele origin: germline. Affected: yes.
Comment: Not observed at significant frequency in large population cohorts (gnomAD); In-silico analysis is inconclusive as to whether the variant impacts protein structure/function. In the absence of functional studies, the actual effect of this sequence change is unknown; Has not been previously published as pathogenic or benign to our knowledge

NM_019066.5(MAGEL2):c.1334G>A (p.Arg445His)

Gene: MAGEL2 (MAGE family member L2; minus strand). Cytogenetic location: 15q11.2.
Variant type: single nucleotide variant.
Coding change: c.1334G>A on transcript NM_019066.5 (MANE Select); coding-DNA position 1334, G replaced by A.
Protein change: p.Arg445His; replaces arginine 445 with histidine.
Molecular consequence: missense variant.
Genome position (GRCh38, 1-based): chr15:23,646,409, C>T on the plus strand (G>A on the coding strand, the complement: MAGEL2 is on the minus strand). VCF-style: chr15-23646409-C-T. GRCh37 (hg19) VCF-style: chr15-23891556-C-T.
Other names: short protein forms R445H.
Identifiers: ClinVar variation 3900547 (VCV003900547.1).